The following is an entry in ClinVar:

NM_001868.4(CPA1):c.751G>A (p.Val251Met)

Gene: CPA1 (carboxypeptidase A1; plus strand). Cytogenetic location: 7q32.2.
Variant type: single nucleotide variant.
Coding change: c.751G>A on transcript NM_001868.4 (MANE Select); coding-DNA position 751, G replaced by A.
Protein change: p.Val251Met; replaces valine 251 with methionine.
Molecular consequence: missense variant.
Genome position (GRCh38, 1-based): chr7:130,384,590, G>A. VCF-style: chr7-130384590-G-A. GRCh37 (hg19) VCF-style: chr7-130024431-G-A.
Other names: short protein forms V251M.
Identifiers: ClinVar variation 1405618 (VCV001405618.10), dbSNP rs782158803, ClinGen allele CA4484926.

ClinVar aggregate classification (germline): Uncertain significance. Review status: criteria provided, multiple submitters, no conflicts (2 of 4 stars). 3 submissions from 3 submitters: Uncertain significance (3). Last evaluated 2025-10-28.

Conditions:
Hereditary pancreatitis (PCTT). Also called: Hereditary chronic pancreatitis; PRSS1-Related Hereditary Pancreatitis. Identifiers: Orphanet 676, MedGen C0238339, MONDO:0008185, OMIM 167800.

Allele frequency attached by ClinVar (database versions not stated): gnomAD 0.00001; TOPMed 0.00001.
gnomAD v4.1: 61 of 1,614,084 alleles (0.0038%); highest among the groups gnomAD compares: South Asian, 0.013%; no homozygotes.

Submissions (3):

Labcorp Genetics (formerly Invitae), Labcorp
Classification: Uncertain significance. Last evaluated: 2025-10-28. Review status: criteria provided, single submitter. Criteria: Invitae Variant Classification Sherloc (09022015). Collection method: clinical testing. Allele origin: germline.
Comment: This sequence change replaces valine, which is neutral and non-polar, with methionine, which is neutral and non-polar, at codon 251 of the CPA1 protein (p.Val251Met). This variant is present in population databases (rs782158803, gnomAD 0.006%). This missense change has been observed in individual(s) with pancreatitis (PMID: 23955596, 28861620). It has also been observed to segregate with disease in related individuals. ClinVar contains an entry for this variant (Variation ID: 1405618). Invitae Evidence Modeling of protein sequence and biophysical properties (such as structural, functional, and spatial information, amino acid conservation, physicochemical variation, residue mobility, and thermodynamic stability) indicates that this missense variant is expected to disrupt CPA1 protein function with a positive predictive value of 80%. Experimental studies have shown that this missense change affects CPA1 function (PMID: 28861620, 36555104). In summary, the available evidence is currently insufficient to determine the role of this variant in disease. Therefore, it has been classified as a Variant of Uncertain Significance.

Ambry Genetics
Classification: Uncertain significance for Hereditary pancreatitis. Last evaluated: 2025-10-06. Review status: criteria provided, single submitter. Criteria: Ambry Variant Classification Scheme 2023. Collection method: clinical testing. Allele origin: germline.
Comment: The p.V251M variant (also known as c.751G>A), located in coding exon 7 of the CPA1 gene, results from a G to A substitution at nucleotide position 751. The valine at codon 251 is replaced by methionine, an amino acid with highly similar properties. This variant was identified in multiple individuals with chronic pancreatitis (Witt H et al. Nat Genet, 2013 Oct;45:1216-20; Masamune A. Tohoku J. Exp. Med., 2014 02;232:69-77; Masamune A et al. J Gastroenterol, 2018 01;53:152-160). In multiple assays testing CPA1 function, this variant showed functionally abnormal results (Witt H et al. Nat Genet, 2013 Oct;45:1216-20; S&aacute;ndor M et al. Int J Mol Sci, 2022 Dec;23:; Kawamoto M et al. Int J Cancer, 2022 Apr;150:1123-1133). This amino acid position is not well conserved in available vertebrate species. In addition, the in silico prediction for this alteration is inconclusive. Since supporting evidence is limited at this time, the clinical significance of this alteration remains unclear.

Blueprint Genetics
Classification: Uncertain significance. Last evaluated: 2023-03-06. Review status: criteria provided, single submitter. Criteria: ACMG Guidelines, 2015. Collection method: clinical testing. Allele origin: germline.

Literature cited by the submitters: PubMed 23955596 (cited by Labcorp Genetics (formerly Invitae), Labcorp and Ambry Genetics); PubMed 28861620 (cited by Labcorp Genetics (formerly Invitae), Labcorp and Ambry Genetics); PubMed 36555104 (cited by Labcorp Genetics (formerly Invitae), Labcorp and Ambry Genetics); PubMed 24522117 (cited by Ambry Genetics); PubMed 31930989 (cited by Ambry Genetics); PubMed 34817877 (cited by Ambry Genetics).